The following is an entry in ClinVar:

ClinVar aggregate classification (germline): Conflicting classifications of pathogenicity. Review status: criteria provided, conflicting classifications (1 of 4 stars). 3 submissions from 3 submitters: Uncertain significance (2); Likely benign (1). Last evaluated 2026-01-06.

Conditions:
Cardiovascular phenotype. Identifiers: MedGen CN230736.
Dilated cardiomyopathy 1CC (CMD1CC). Identifiers: Orphanet 154, MedGen C2751084, MONDO:0013147, OMIM 613122.
Hypertrophic cardiomyopathy 20. Identifiers: MedGen C3151267, MONDO:0013477, OMIM 613876.

Allele frequency attached by ClinVar (database versions not stated): gnomAD exomes below 0.00001.
gnomAD v4.1: 2 of 1,593,932 alleles (0.00013%); highest among the groups gnomAD compares: Non-Finnish European, 0.00017%; no homozygotes.

Submissions (3):

Labcorp Genetics (formerly Invitae), Labcorp
Classification: Likely benign for Dilated cardiomyopathy 1CC; Hypertrophic cardiomyopathy 20. Last evaluated: 2026-01-06. Review status: criteria provided, single submitter. Criteria: Invitae Variant Classification Sherloc (09022015). Collection method: clinical testing. Allele origin: germline.

Ambry Genetics
Classification: Uncertain significance for Cardiovascular phenotype. Last evaluated: 2022-03-23. Review status: criteria provided, single submitter. Criteria: Ambry Variant Classification Scheme 2023. Collection method: clinical testing. Allele origin: germline.
Comment: The c.450T>A variant (also known as p.I150I), located in coding exon 5 of the NEXN gene, results from a T to A substitution at nucleotide position 450. This nucleotide substitution does not change the isoleucine at codon 150. This nucleotide position is highly conserved in available vertebrate species. In silico splice site analysis for this alteration is inconclusive. Since supporting evidence is limited at this time, the clinical significance of this alteration remains unclear.

GeneDx
Classification: Uncertain significance. Last evaluated: 2017-04-03. Review status: criteria provided, single submitter. Criteria: GeneDx Variant Classification (06012015). Collection method: clinical testing. Allele origin: germline. Affected: yes.
Comment: A variant of uncertain significance has been identified in the NEXN gene. The c.450 T>A variant has not been published as pathogenic or been reported as benign to our knowledge. This variant is not observed in large population cohorts (Lek et al., 2016; 1000 Genomes Consortium et al., 2015; Exome Variant Server). This nucleotide substitution does not change the encoded amino acid, which is conserved across species. Several in silico splice algorithms do not predict that this change results in abnormal gene splicing; however, in the absence of functional mRNA studies, the physiological consequence of this variant cannot be precisely determined.

NM_144573.4(NEXN):c.450T>A (p.Ile150=)

Gene: NEXN (nexilin F-actin binding protein; plus strand). Cytogenetic location: 1p31.1.
Variant type: single nucleotide variant.
Coding change: c.450T>A on transcript NM_144573.4 (MANE Select); coding-DNA position 450, T replaced by A.
Protein change: p.Ile150=; no amino-acid change (isoleucine 150 retained).
Molecular consequence: synonymous variant.
Genome position (GRCh38, 1-based): chr1:77,925,190, T>A. VCF-style: chr1-77925190-T-A. GRCh37 (hg19) VCF-style: chr1-78390875-T-A.
Other names: c.258T>A, p.Ile86= (NM_001172309.2).
Identifiers: ClinVar variation 424583 (VCV000424583.5), dbSNP rs1064797051, ClinGen allele CA16617191.